The following is an entry in ClinVar:

NM_000052.7(ATP7A):c.941A>G (p.Asn314Ser)

Gene: ATP7A (ATPase copper transporting alpha; plus strand). Cytogenetic location: Xq21.1.
Variant type: single nucleotide variant.
Coding change: c.941A>G on transcript NM_000052.7 (MANE Select); coding-DNA position 941, A replaced by G.
Protein change: p.Asn314Ser; replaces asparagine 314 with serine.
Molecular consequence: missense variant.
Genome position (GRCh38, 1-based): chrX:77,989,563, A>G. VCF-style: chrX-77989563-A-G. GRCh37 (hg19) VCF-style: chrX-77245059-A-G.
Other names: c.941A>G, p.Asn314Ser (NM_001282224.2); short protein forms N314S.
Identifiers: ClinVar variation 425506 (VCV000425506.47), dbSNP rs1064797375, ClinGen allele CA16621899.
Genomic context (GRCh38, chrX:77,989,563, plus strand): 5'-ATATTGAAAGTACTTTATCTGCACTCCAATATGTAAGCAGCATAGTAGTTTCTTTAGAGA[A>G]TAGGTCTGCCATTGTGAAGTATAATGCAAGCTCAGTCACTCCAGAATCCCTGAGAAAAGC-3'
Protein context (NP_000043.4, residues 304-324): YVSSIVVSLE[Asn314Ser]RSAIVKYNAS

ClinVar aggregate classification (germline): Uncertain significance. Review status: criteria provided, multiple submitters, no conflicts (2 of 4 stars). 2 submissions from 2 submitters: Uncertain significance (2). Last evaluated 2022-08-05.

Conditions:
Cutis laxa, X-linked (OHS). Also called: EDS IX; Occipital horn syndrome. Identifiers: Orphanet 198, MedGen C0268353, MONDO:0010572, OMIM 304150.
X-linked distal spinal muscular atrophy type 3. Also called: NEURONOPATHY, DISTAL HEREDITARY MOTOR, X-LINKED; NEUROPATHY, DISTAL HEREDITARY MOTOR, X-LINKED; SPINAL MUSCULAR ATROPHY, DISTAL, X-LINKED RECESSIVE; ATP7A-Related Distal Motor Neuropathy. Identifiers: Orphanet 139557, MedGen C1845359, MONDO:0010338, OMIM 300489.
Menkes kinky-hair syndrome (MNK). Also called: Copper transport disease; Classic Menkes Disease; Menkes Disease. Identifiers: Orphanet 565, MedGen C0022716, MONDO:0010651, OMIM 309400.

Allele frequency attached by ClinVar (database versions not stated): TOPMed below 0.00001.
gnomAD v4.1: 1 of 1,211,817 alleles (0.000083%); no homozygotes.

Submissions (2):

Labcorp Genetics (formerly Invitae), Labcorp
Classification: Uncertain significance for X-linked distal spinal muscular atrophy type 3; Cutis laxa, X-linked; Menkes kinky-hair syndrome. Last evaluated: 2022-08-05. Review status: criteria provided, single submitter. Criteria: Invitae Variant Classification Sherloc (09022015). Collection method: clinical testing. Allele origin: germline.
Comment: In summary, the available evidence is currently insufficient to determine the role of this variant in disease. Therefore, it has been classified as a Variant of Uncertain Significance. Algorithms developed to predict the effect of sequence changes on RNA splicing suggest that this variant may create or strengthen a splice site. Advanced modeling of protein sequence and biophysical properties (such as structural, functional, and spatial information, amino acid conservation, physicochemical variation, residue mobility, and thermodynamic stability) performed at Invitae indicates that this missense variant is not expected to disrupt ATP7A protein function. ClinVar contains an entry for this variant (Variation ID: 425506). This variant has not been reported in the literature in individuals affected with ATP7A-related conditions. This variant is not present in population databases (gnomAD no frequency). This sequence change replaces asparagine, which is neutral and polar, with serine, which is neutral and polar, at codon 314 of the ATP7A protein (p.Asn314Ser).

CeGaT Center for Human Genetics Tuebingen
Classification: Uncertain significance. Last evaluated: 2017-03-01. Review status: criteria provided, single submitter. Criteria: CeGaT Center For Human Genetics Tuebingen Variant Classification Criteria Version 2. Collection method: clinical testing. Allele origin: germline. Affected: yes. Observed: 1 variant allele.